The following is an entry in ClinVar:

ClinVar aggregate classification (germline): Uncertain significance (1 of 4 stars; one submission).

Conditions:
Congenital factor VII deficiency. Identifiers: Orphanet 327, MedGen C0272320, MONDO:0009211, OMIM 227500.

Submission:

ISTH-SSC Genomics in Thrombosis and Hemostasis, KU Leuven, Center for Molecular and Vascular Biology
Classification: Uncertain significance for Congenital factor VII deficiency. Review status: criteria provided, single submitter. Criteria: ACMG Guidelines, 2015. Collection method: clinical testing. Allele origin: germline. Affected: yes. Observed: 1 heterozygote.
Comment: Submitted to GoldVariant by Kathleen Freson, Center for Molecular and Vascular Biology, Leuven, Belgium

NM_019616.4(F7):c.169G>C (p.Glu57Gln)

Gene: F7 (coagulation factor VII; plus strand). Cytogenetic location: 13q34.
Variant type: single nucleotide variant.
Coding change: c.169G>C on transcript NM_019616.4 (MANE Select); coding-DNA position 169, G replaced by C.
Protein change: p.Glu57Gln; replaces glutamic acid 57 with glutamine.
Molecular consequence: missense variant. On other transcripts: non-coding transcript variant (1), intron variant (1).
Genome position (GRCh38, 1-based): chr13:113,110,794, G>C. VCF-style: chr13-113110794-G-C. GRCh37 (hg19) VCF-style: chr13-113765108-G-C.
Other names: c.235G>C, p.Glu79Gln (NM_000131.5); c.65-3053G>C (NM_001267554.2); short protein forms E57Q, E79Q.
Identifiers: ClinVar variation 1703838 (VCV001703838.1), dbSNP rs2503021805, ClinGen allele CA388781075.